The following is an entry in ClinVar:

NM_001378418.1(TCF20):c.362C>T (p.Pro121Leu)

Gene: TCF20 (transcription factor 20; minus strand). Cytogenetic location: 22q13.2.
Variant type: single nucleotide variant.
Coding change: c.362C>T on transcript NM_001378418.1 (MANE Select); coding-DNA position 362, C replaced by T.
Protein change: p.Pro121Leu; replaces proline 121 with leucine.
Molecular consequence: missense variant.
Genome position (GRCh38, 1-based): chr22:42,214,944, G>A on the plus strand (C>T on the coding strand, the complement: TCF20 is on the minus strand). VCF-style: chr22-42214944-G-A. GRCh37 (hg19) VCF-style: chr22-42610950-G-A.
Other names: c.362C>T (NM_005650.1); c.362C>T, p.Pro121Leu (NM_005650.4, NM_181492.3); short protein forms P121L.
Identifiers: ClinVar variation 3701811 (VCV003701811.3).

ClinVar aggregate classification (germline): Uncertain significance. Review status: criteria provided, multiple submitters, no conflicts (2 of 4 stars). 2 submissions from 2 submitters: Uncertain significance (2). Last evaluated 2026-05-23.

Conditions:
Inborn genetic diseases. Identifiers: MedGen C0950123, MeSH D030342.

gnomAD v4.1: 9 of 1,614,226 alleles (0.00056%); highest among the groups gnomAD compares: Non-Finnish European, 0.00059%; no homozygotes.

Submissions (2):

Ambry Genetics
Classification: Uncertain significance for Inborn genetic diseases. Last evaluated: 2026-05-23. Review status: criteria provided, single submitter. Criteria: Ambry Variant Classification Scheme 2023. Collection method: clinical testing. Allele origin: germline.

Labcorp Genetics (formerly Invitae), Labcorp
Classification: Uncertain significance. Last evaluated: 2024-12-31. Review status: criteria provided, single submitter. Criteria: Invitae Variant Classification Sherloc (09022015). Collection method: clinical testing. Allele origin: germline.
Comment: This sequence change replaces proline, which is neutral and non-polar, with leucine, which is neutral and non-polar, at codon 121 of the TCF20 protein (p.Pro121Leu). This variant is not present in population databases (gnomAD no frequency). This variant has not been reported in the literature in individuals affected with TCF20-related conditions. An algorithm developed to predict the effect of missense changes on protein structure and function (PolyPhen-2) suggests that this variant is likely to be disruptive. In summary, the available evidence is currently insufficient to determine the role of this variant in disease. Therefore, it has been classified as a Variant of Uncertain Significance.